The following is an entry in ClinVar:

ClinVar aggregate classification (germline): Conflicting classifications of pathogenicity. Review status: criteria provided, conflicting classifications (1 of 4 stars). 10 submissions from 10 submitters: Uncertain significance (6); Benign (1); Likely benign (2). 1 of the submissions does not count toward it. Last evaluated 2026-01-21.

Conditions:
Hereditary nonpolyposis colorectal neoplasms. Identifiers: MedGen C0009405, MeSH D003123.
Lynch syndrome. Identifiers: Orphanet 144, MedGen C4552100, MONDO:0005835. Disease mechanism: loss of function.
Lynch syndrome 5 (LYNCH5). Also called: Hereditary non-polyposis colorectal cancer, type 5; Colorectal cancer, hereditary nonpolyposis, type 5. Identifiers: Orphanet 144, MedGen C1833477, MONDO:0013710, OMIM 614350. Disease mechanism: loss of function.
MSH6-related disorder. Also called: MSH6-related condition; MSH6-Related disorders.
Hereditary cancer-predisposing syndrome. Also called: Hereditary neoplastic syndrome; Tumor predisposition; Neoplastic Syndromes, Hereditary; Hereditary Cancer Syndrome. Identifiers: Orphanet 140162, MedGen C0027672, MeSH D009386, MONDO:0015356.

Allele frequency attached by ClinVar (database versions not stated): TOPMed 0.00002.
gnomAD v4.1: 10 of 1,609,134 alleles (0.00062%); highest among the groups gnomAD compares: African/African-American, 0.0027%; no homozygotes.

Submissions (10):

Labcorp Genetics (formerly Invitae), Labcorp
Classification: Benign for Hereditary nonpolyposis colorectal neoplasms. Last evaluated: 2026-01-21. Review status: criteria provided, single submitter. Criteria: Invitae Variant Classification Sherloc (09022015). Collection method: clinical testing. Allele origin: germline.

Myriad Genetics, Inc.
Classification: Likely benign for Lynch syndrome 5. Last evaluated: 2025-01-08. Review status: criteria provided, single submitter. Criteria: Myriad Autosomal Dominant, Autosomal Recessive and X-Linked Classification Criteria (2023). Collection method: clinical testing. Allele origin: unknown.
Comment: This variant is considered likely benign. This variant is strongly associated with less severe personal and family histories of cancer, typical for individuals without pathogenic variants in this gene [PMID: 27363726].

Color Diagnostics, LLC DBA Color Health
Classification: Uncertain significance for Hereditary cancer-predisposing syndrome. Last evaluated: 2024-05-06. Review status: criteria provided, single submitter. Criteria: ACMG Guidelines, 2015. Collection method: clinical testing. Allele origin: germline.
Comment: This missense variant replaces arginine with glutamine at codon 1331 of the MSH6 protein. Computational prediction suggests that this variant may not impact protein structure and function (internally defined REVEL score threshold <= 0.5, PMID: 27666373). To our knowledge, functional studies have not been reported for this variant. This variant has not been reported in individuals affected with MSH6-related disorders in the literature. This variant has been identified in 1/245650 chromosomes in the general population by the Genome Aggregation Database (gnomAD). The available evidence is insufficient to determine the role of this variant in disease conclusively. Therefore, this variant is classified as a Variant of Uncertain Significance.

Women's Health and Genetics/Laboratory Corporation of America, LabCorp
Classification: Uncertain significance. Last evaluated: 2023-11-20. Review status: criteria provided, single submitter. Criteria: LabCorp Variant Classification Summary - May 2015. Collection method: clinical testing. Allele origin: germline.
Comment: Variant summary: MSH6 c.3992G>A (p.Arg1331Gln) results in a conservative amino acid change in the encoded protein sequence. Four of five in-silico tools predict a benign effect of the variant on protein function. The variant allele was found at a frequency of 4.1e-06 in 245650 control chromosomes. The available data on variant occurrences in the general population are insufficient to allow any conclusion about variant significance. To our knowledge, no occurrence of c.3992G>A has been reported in the germline of individuals affected with Prostate Cancer or Lynch Syndrome and no experimental evidence demonstrating its impact on protein function have been reported. Six submitters have cited clinical-significance assessments for this variant to ClinVar after 2014. Four submitters classified the variant as uncertain significance and two classified it as benign/likely benign. Based on the evidence outlined above, the variant was classified as uncertain significance.

All of Us Research Program, National Institutes of Health
Classification: Uncertain significance for Lynch syndrome. Last evaluated: 2023-10-27. Review status: criteria provided, single submitter. Criteria: ACMG Guidelines, 2015. Collection method: clinical testing. Allele origin: germline. Inheritance: Autosomal dominant inheritance. Observed: 3 variant alleles, 3 heterozygotes.
Comment: This missense variant replaces arginine with glutamine at codon 1331 of the MSH6 protein. Computational prediction suggests that this variant may not impact protein structure and function (internally defined REVEL score threshold <= 0.5, PMID: 27666373). To our knowledge, functional studies have not been reported for this variant. This variant has been reported in individuals affected with gastric cancer (Universal Mutation Database, PMID: 10612827. This variant has been identified in 1/245650 chromosomes in the general population by the Genome Aggregation Database (gnomAD). The available evidence is insufficient to determine the role of this variant in disease conclusively. Therefore, this variant is classified as a Variant of Uncertain Significance.

This study involves interpretation of variants in research participants for the purpose of population health screening. Participant phenotype was not available at the time of variant classification. Additional details can be found in publication PMID: 35346344, PMCID: PMC8962531

GeneDx
Classification: Uncertain significance. Last evaluated: 2023-10-23. Review status: criteria provided, single submitter. Criteria: GeneDx Variant Classification Process June 2021. Collection method: clinical testing. Allele origin: germline. Affected: yes.
Comment: Not observed at significant frequency in large population cohorts (gnomAD); In silico analysis supports that this missense variant does not alter protein structure/function; Has not been previously reported as pathogenic or benign germline variant to our knowledge; This variant is associated with the following publications: (PMID: 27294619, 22851212, 26991699, 17531815, 21120944, 12019211, 31857677)

Quest Diagnostics Nichols Institute San Juan Capistrano
Classification: Uncertain significance. Last evaluated: 2023-08-12. Review status: criteria provided, single submitter. Criteria: Quest Diagnostics criteria. Collection method: clinical testing. Allele origin: unknown.
Comment: In the published literature, this variant as a somatic variant in a colorectal cancer tumor, with microsatellite instability and discordant immunohistochemical results (PMID: 31857677 (2020)). In the same study, the variant was found to co-occur with a germline pathogenic MSH6 variant (PMID: 31857677 (2020)). The frequency of this variant in the general population, 0.0000041 (1/245650 chromosomes (Genome Aggregation Database)), is uninformative in the assessment of its pathogenicity. Analysis of this variant using bioinformatics tools for the prediction of the effect of amino acid changes on protein structure and function yielded predictions that this variant is benign. Based on the available information, we are unable to determine the clinical significance of this variant.

Ambry Genetics
Classification: Likely benign for Hereditary cancer-predisposing syndrome. Last evaluated: 2020-07-13. Review status: criteria provided, single submitter. Criteria: Ambry Variant Classification Scheme 2023. Collection method: clinical testing. Allele origin: germline.

Mendelics
Classification: Uncertain significance for Lynch syndrome 5. Last evaluated: 2019-05-28. Review status: criteria provided, single submitter. Criteria: Mendelics Assertion Criteria 2017. Collection method: clinical testing. Allele origin: unknown.

PreventionGenetics, part of Exact Sciences
Classification: Uncertain significance for MSH6-related condition. Last evaluated: 2024-02-02. Review status: no assertion criteria provided. Collection method: clinical testing. Allele origin: germline. Not counted in ClinVar's aggregate classification.
Comment: The MSH6 c.3992G>A variant is predicted to result in the amino acid substitution p.Arg1331Gln. To our knowledge, this variant has not been reported in the literature as a germline variant. This variant is reported in 0.0063% of alleles in individuals of African descent in gnomAD and has conflicting interpretations regarding its pathogenicity in ClinVar, ranging from benign to uncertain. Another missense variant affecting this residue has been associated with colorectal cancer (p.Arg1331Pro; Belvederesi et al. 2012. PubMed ID: 22851212). At this time, the clinical significance of the c.3992G>A variant is uncertain due to the absence of conclusive functional and genetic evidence.

Literature cited by the submitters: PubMed 27363726 (cited by Myriad Genetics, Inc.); PubMed 10612827 (cited by All of Us Research Program, National Institutes of Health); PubMed 27294619 (cited by Quest Diagnostics Nichols Institute San Juan Capistrano and Ambry Genetics); PubMed 31857677 (cited by Quest Diagnostics Nichols Institute San Juan Capistrano).

NM_000179.3(MSH6):c.3992G>A (p.Arg1331Gln)

Gene: MSH6 (mutS homolog 6; plus strand). Cytogenetic location: 2p16.3.
Variant type: single nucleotide variant.
Coding change: c.3992G>A on transcript NM_000179.3 (MANE Select); coding-DNA position 3992, G replaced by A.
Protein change: p.Arg1331Gln; replaces arginine 1331 with glutamine.
Molecular consequence: missense variant.
Genome position (GRCh38, 1-based): chr2:47,806,642, G>A. VCF-style: chr2-47806642-G-A. GRCh37 (hg19) VCF-style: chr2-48033781-G-A.
Other names: c.3602G>A, p.Arg1201Gln (NM_001281492.2); c.3086G>A, p.Arg1029Gln (NM_001281493.2, NM_001281494.2); short protein forms R1331Q, R1029Q, R1201Q.
Identifiers: ClinVar variation 419915 (VCV000419915.31), dbSNP rs184131049, ClinGen allele CA16617720.